The following is an entry in ClinVar:

ClinVar aggregate classification (germline): Uncertain significance (1 of 4 stars; one submission).

gnomAD v4.1: 95 of 1,613,220 alleles (0.0059%); highest among the groups gnomAD compares: Admixed American, 0.045%; no homozygotes.

Submission:

Labcorp Genetics (formerly Invitae), Labcorp
Classification: Uncertain significance. Last evaluated: 2025-06-06. Review status: criteria provided, single submitter. Criteria: Invitae Variant Classification Sherloc (09022015). Collection method: clinical testing. Allele origin: germline.
Comment: This sequence change replaces leucine, which is neutral and non-polar, with isoleucine, which is neutral and non-polar, at codon 452 of the ROBO2 protein (p.Leu452Ile). This variant is present in population databases (rs184283102, gnomAD 0.02%). This variant has not been reported in the literature in individuals affected with ROBO2-related conditions. ClinVar contains an entry for this variant (Variation ID: 3705218). Invitae Evidence Modeling of protein sequence and biophysical properties (such as structural, functional, and spatial information, amino acid conservation, physicochemical variation, residue mobility, and thermodynamic stability) indicates that this missense variant is not expected to disrupt ROBO2 protein function with a negative predictive value of 95%. In summary, the available evidence is currently insufficient to determine the role of this variant in disease. Therefore, it has been classified as a Variant of Uncertain Significance.

NM_001395656.1(ROBO2):c.1366T>A (p.Leu456Ile)

Gene: ROBO2 (roundabout guidance receptor 2; plus strand). Cytogenetic location: 3p12.3.
Variant type: single nucleotide variant.
Coding change: c.1366T>A on transcript NM_001395656.1 (MANE Select); coding-DNA position 1366, T replaced by A.
Protein change: p.Leu456Ile; replaces leucine 456 with isoleucine.
Molecular consequence: missense variant. On other transcripts: 5 prime UTR variant (1).
Genome position (GRCh38, 1-based): chr3:77,558,066, T>A. VCF-style: chr3-77558066-T-A. GRCh37 (hg19) VCF-style: chr3-77607217-T-A.
Other names: c.1402T>A, p.Leu468Ile (NM_001128929.3); c.1366T>A, p.Leu456Ile (NM_001290039.2, NM_001290040.2, NM_001378202.1); c.-565T>A (NM_001290065.2); c.1414T>A, p.Leu472Ile (NM_001378200.1, NM_001378201.1, NM_001378203.1 and 4 more transcripts); c.1423T>A, p.Leu475Ile (NM_001394212.1, NM_001394214.1, NM_001395657.1); c.1435T>A, p.Leu479Ile (NM_001394213.1, NM_001378192.1, NM_001378194.1 and 2 more transcripts); c.1354T>A, p.Leu452Ile (NM_001378193.1, NM_001378197.1, NM_002942.5); short protein forms L468I, L475I, L452I, L479I, L472I, L456I.
Identifiers: ClinVar variation 3705218 (VCV003705218.2).